The following is an entry in ClinVar:

ClinVar aggregate classification (germline): Uncertain significance (1 of 4 stars; one submission).

Conditions:
Porokeratosis 1, Mibelli type (POROK1). Also called: Porokeratosis 1, multiple types. Identifiers: MedGen CN297066, MONDO:0008290, OMIM 175800.

Submission:

Juno Genomics, Hangzhou Juno Genomics, Inc
Classification: Uncertain significance for Porokeratosis 1, Mibelli type. Review status: criteria provided, single submitter. Criteria: ACMG Guidelines, 2015. Collection method: clinical testing. Allele origin: germline. Affected: yes.
Comment: Absent from controls (or at extremely low frequency if recessive) in Genome Aggregation Database, Exome Sequencing Project, 1000 Genomes Project, or Exome Aggregation Consortium.;Patient's phenotype or family history is highly specific for a disease with a single genetic etiology.

NM_006556.4(PMVK):c.328C>T (p.Arg110Trp)

Gene: PMVK (phosphomevalonate kinase; minus strand). Cytogenetic location: 1q21.3.
Variant type: single nucleotide variant.
Coding change: c.328C>T on transcript NM_006556.4 (MANE Select); coding-DNA position 328, C replaced by T.
Protein change: p.Arg110Trp; replaces arginine 110 with tryptophan.
Molecular consequence: missense variant.
Genome position (GRCh38, 1-based): chr1:154,926,468, G>A on the plus strand (C>T on the coding strand, the complement: PMVK is on the minus strand). VCF-style: chr1-154926468-G-A. GRCh37 (hg19) VCF-style: chr1-154898944-G-A.
Other names: c.286C>T, p.Arg96Trp (NM_001323011.3); c.103C>T, p.Arg35Trp (NM_001323012.3, NM_001348696.2); short protein forms R110W, R35W, R96W.
Identifiers: ClinVar variation 3382204 (VCV003382204.2).